The following is an entry in ClinVar:

NM_005461.5(MAFB):c.627C>T (p.Asp209=)

Gene: MAFB (MAF bZIP transcription factor B; minus strand). Cytogenetic location: 20q12.
Variant type: single nucleotide variant.
Coding change: c.627C>T on transcript NM_005461.5 (MANE Select); coding-DNA position 627, C replaced by T.
Protein change: p.Asp209=; no amino-acid change (aspartic acid 209 retained).
Molecular consequence: synonymous variant.
Genome position (GRCh38, 1-based): chr20:40,688,224, G>A on the plus strand (C>T on the coding strand, the complement: MAFB is on the minus strand). VCF-style: chr20-40688224-G-A. GRCh37 (hg19) VCF-style: chr20-39316864-G-A.
Identifiers: ClinVar variation 4779806 (VCV004779806.1).

ClinVar aggregate classification (germline): Uncertain significance (1 of 4 stars; one submission).

gnomAD v4.1: 11 of 1,578,052 alleles (0.0007%); highest among the groups gnomAD compares: Admixed American, 0.0018%; no homozygotes.

Submission:

Labcorp Genetics (formerly Invitae), Labcorp
Classification: Uncertain significance. Last evaluated: 2025-08-29. Review status: criteria provided, single submitter. Criteria: Invitae Variant Classification Sherloc (09022015). Collection method: clinical testing. Allele origin: germline.
Comment: This sequence change affects codon 209 of the MAFB mRNA. It is a 'silent' change, meaning that it does not change the encoded amino acid sequence of the MAFB protein. This variant is not present in population databases (gnomAD no frequency). This variant has not been reported in the literature in individuals affected with MAFB-related conditions. In summary, the available evidence is currently insufficient to determine the role of this variant in disease. Therefore, it has been classified as a Variant of Uncertain Significance.